The following is an entry in ClinVar:

ClinVar aggregate classification (germline): Uncertain significance (1 of 4 stars; one submission).

Conditions:
Familial cancer of breast. Also called: Hereditary breast cancer; BREAST CANCER, FAMILIAL; hereditary breast carcinoma. Identifiers: Orphanet 227535, MedGen C0346153, MONDO:0016419, OMIM 114480. Disease mechanism: loss of function.

Submission:

Labcorp Genetics (formerly Invitae), Labcorp
Classification: Uncertain significance for Familial cancer of breast. Last evaluated: 2024-10-27. Review status: criteria provided, single submitter. Criteria: Invitae Variant Classification Sherloc (09022015). Collection method: clinical testing. Allele origin: germline.
Comment: This sequence change falls in intron 2 of the PALB2 gene. It does not directly change the encoded amino acid sequence of the PALB2 protein. It affects a nucleotide within the consensus splice site. This variant is not present in population databases (gnomAD no frequency). This variant has not been reported in the literature in individuals affected with PALB2-related conditions. Variants that disrupt the consensus splice site are a relatively common cause of aberrant splicing (PMID: 17576681, 9536098). Algorithms developed to predict the effect of sequence changes on RNA splicing suggest that this variant is not likely to affect RNA splicing. In summary, the available evidence is currently insufficient to determine the role of this variant in disease. Therefore, it has been classified as a Variant of Uncertain Significance.

Literature cited by the submitters: PubMed 17576681; PubMed 9536098.

NM_024675.4(PALB2):c.108+3A>G

Gene: PALB2 (partner and localizer of BRCA2; minus strand). Cytogenetic location: 16p12.2.
Variant type: single nucleotide variant.
Coding change: c.108+3A>G on transcript NM_024675.4 (MANE Select); 3 bases into the intron after coding-DNA position 108, A replaced by G.
Molecular consequence: intron variant.
Genome position (GRCh38, 1-based): chr16:23,638,067, T>C on the plus strand (A>G on the coding strand, the complement: PALB2 is on the minus strand). VCF-style: chr16-23638067-T-C. GRCh37 (hg19) VCF-style: chr16-23649388-T-C.
Other names: c.-778+3A>G (NM_001407308.1, NM_001407306.1, NM_001407307.1 and 5 more transcripts); c.48+3043A>G (NM_001407314.1); c.-105+3043A>G (NM_001407313.1, NM_001407312.1); c.49-115A>G (NM_001407296.1); c.108+3A>G (NM_001407297.1, NM_001407302.1, NM_001407298.1 and 3 more transcripts).
Identifiers: ClinVar variation 3723837 (VCV003723837.2).